The following is an entry in ClinVar:

ClinVar aggregate classification (germline): Likely benign (0 of 4 stars; one submission).

Conditions:
DMXL1-related disorder. Also called: DMXL1-related condition.

Allele frequency attached by ClinVar (database versions not stated): ESP Exome Variant Server 0.00170; 1000 Genomes Project 0.00200; 1000 Genomes Project 30x 0.00265.
gnomAD v4.1: 574 of 1,604,012 alleles (0.036%); highest among the groups gnomAD compares: African/African-American, 0.68%; 1 homozygote.

Submission:

PreventionGenetics, part of Exact Sciences
Classification: Likely benign for DMXL1-related condition. Last evaluated: 2019-08-09. Review status: no assertion criteria provided. Collection method: clinical testing. Allele origin: germline.
Comment: This variant is classified as likely benign based on ACMG/AMP sequence variant interpretation guidelines (Richards et al. 2015 PMID: 25741868, with internal and published modifications).

NM_001290321.3(DMXL1):c.264A>C (p.Leu88=)

Gene: DMXL1 (Dmx like 1; plus strand). Cytogenetic location: 5q23.1.
Variant type: single nucleotide variant.
Coding change: c.264A>C on transcript NM_001290321.3 (MANE Select); coding-DNA position 264, A replaced by C.
Protein change: p.Leu88=; no amino-acid change (leucine 88 retained).
Molecular consequence: synonymous variant. On other transcripts: non-coding transcript variant (3).
Genome position (GRCh38, 1-based): chr5:119,101,985, A>C. VCF-style: chr5-119101985-A-C. GRCh37 (hg19) VCF-style: chr5-118437680-A-C.
Other names: c.264A>C, p.Leu88= (NM_001349239.2, NM_001349240.2, NM_001387933.1 and 4 more transcripts).
Identifiers: ClinVar variation 3034998 (VCV003034998.2), dbSNP rs75603518, ClinGen allele CA3379047.
Genomic context (GRCh38, chr5:119,101,985, plus strand): 5'-TTTTTAAAAGATTGCAGCGTCTTATGGAAATGTTATCTCCATTTTTGAACCAGTTAACCT[A>C]CCAAAACAAAAGAAAAATTTGGTCAGTAATTTATGATTTCTTCTTTTAGGAATTGAAATG-3'
Protein context (NP_001277250.1, residues 78-98): NVISIFEPVN[Leu88=]PKQKKNLELY